The following is an entry in ClinVar:

ClinVar aggregate classification (germline): Likely pathogenic (1 of 4 stars; one submission).

Conditions:
Retinitis pigmentosa 25 (RP25). Identifiers: Orphanet 791, MedGen C1864446, MONDO:0011272, OMIM 602772.

Submission:

Natera, Inc.
Classification: Likely pathogenic for Retinitis pigmentosa type 25. Last evaluated: 2024-04-12. Review status: criteria provided, single submitter. Criteria: Natera Variant Classification Schema (03/2026). Collection method: clinical testing. Allele origin: germline.
Comment: The c.4699_4702delTCTCinsCCA variant in EYS is a frameshift variant predicted to shift the reading frame beginning at codon 1567 and leads to a stop codon 22 codons downstream. This variant is expected to result in nonsense mediated decay, truncation, or a dysfunctional protein product. This variant is rare in the general population with a frequency below the threshold expected for the associated phenotype(s). Given the available evidence, this variant is classified as Likely Pathogenic.

NM_001142800.2(EYS):c.4699_4702delinsCCA (p.Ser1567fs)

Gene: EYS (EGF-like photoreceptor maintenance factor; minus strand). Cytogenetic location: 6q12.
Variant type: Indel.
Coding change: c.4699_4702delinsCCA on transcript NM_001142800.2 (MANE Select); coding-DNA positions 4699 to 4702, TCTC replaced by CCA.
Protein change: p.Ser1567fs; shifts the reading frame from serine 1567.
Molecular consequence: frameshift variant.
Genome position (GRCh38, 1-based): chr6:64,591,165-64,591,168, GAGA replaced by TGG on the plus strand (TCTC replaced by CCA on the coding strand, the reverse complement: EYS is on the minus strand). VCF-style: chr6-64591165-GAGA-TGG. GRCh37 (hg19) VCF-style: chr6-65301058-GAGA-TGG.
Other names: c.4699_4702delinsCCA, p.Ser1567fs (NM_001292009.2); short protein forms S1567fs.
Identifiers: ClinVar variation 4814641 (VCV004814641.1).